The following is an entry in ClinVar:

NM_000271.5(NPC1):c.3293C>A (p.Thr1098Asn)

Gene: NPC1 (NPC intracellular cholesterol transporter 1; minus strand). Cytogenetic location: 18q11.2.
Variant type: single nucleotide variant.
Coding change: c.3293C>A on transcript NM_000271.5 (MANE Select); coding-DNA position 3293, C replaced by A.
Protein change: p.Thr1098Asn; replaces threonine 1098 with asparagine.
Molecular consequence: missense variant.
Genome position (GRCh38, 1-based): chr18:23,535,653, G>T on the plus strand (C>A on the coding strand, the complement: NPC1 is on the minus strand). VCF-style: chr18-23535653-G-T. GRCh37 (hg19) VCF-style: chr18-21115617-G-T.
Other names: short protein forms T1098N.
Identifiers: ClinVar variation 1371325 (VCV001371325.6), dbSNP rs746285672, ClinGen allele CA401791507.

ClinVar aggregate classification (germline): Uncertain significance (1 of 4 stars; one submission).

Conditions:
Niemann-Pick disease, type C1. Also called: NEUROVISCERAL STORAGE DISEASE WITH VERTICAL SUPRANUCLEAR OPHTHALMOPLEGIA; NIEMANN-PICK DISEASE WITH CHOLESTEROL ESTERIFICATION BLOCK; NIEMANN-PICK DISEASE WITHOUT SPHINGOMYELINASE DEFICIENCY; NIEMANN-PICK DISEASE, CHRONIC NEURONOPATHIC FORM; NIEMANN-PICK DISEASE, VARIANT TYPE C1. Identifiers: Orphanet 646, MedGen C3179455, MONDO:0009757, OMIM 257220.

Submission:

Labcorp Genetics (formerly Invitae), Labcorp
Classification: Uncertain significance for Niemann-Pick disease, type C1. Last evaluated: 2022-02-22. Review status: criteria provided, single submitter. Criteria: Invitae Variant Classification Sherloc (09022015). Collection method: clinical testing. Allele origin: germline.
Comment: This variant has not been reported in the literature in individuals affected with NPC1-related conditions. This sequence change replaces threonine, which is neutral and polar, with asparagine, which is neutral and polar, at codon 1098 of the NPC1 protein (p.Thr1098Asn). This variant is not present in population databases (gnomAD no frequency). Advanced modeling of protein sequence and biophysical properties (such as structural, functional, and spatial information, amino acid conservation, physicochemical variation, residue mobility, and thermodynamic stability) performed at Invitae indicates that this missense variant is expected to disrupt NPC1 protein function. In summary, the available evidence is currently insufficient to determine the role of this variant in disease. Therefore, it has been classified as a Variant of Uncertain Significance.